The following is an entry in ClinVar:

NM_182703.6(ANKDD1A):c.1455C>T (p.Leu485=)

Gene: ANKDD1A (ankyrin repeat and death domain containing 1A; plus strand). Cytogenetic location: 15q22.31.
Variant type: single nucleotide variant.
Coding change: c.1455C>T on transcript NM_182703.6 (MANE Select); coding-DNA position 1455, C replaced by T.
Protein change: p.Leu485=; no amino-acid change (leucine 485 retained).
Molecular consequence: synonymous variant.
Genome position (GRCh38, 1-based): chr15:64,949,944, C>T. VCF-style: chr15-64949944-C-T. GRCh37 (hg19) VCF-style: chr15-65242165-C-T.
Identifiers: ClinVar variation 2645448 (VCV002645448.24), dbSNP rs200697715, ClinGen allele CA7612798.

ClinVar aggregate classification (germline): Likely benign (1 of 4 stars; one submission).

Allele frequency attached by ClinVar (database versions not stated): gnomAD exomes 0.00001; TOPMed 0.00002; ExAC 0.00003.
gnomAD v4.1: 16 of 1,610,120 alleles (0.00099%); highest among the groups gnomAD compares: East Asian, 0.0045%; no homozygotes.

Submission:

CeGaT Center for Human Genetics Tuebingen
Classification: Likely benign. Last evaluated: 2022-04-01. Review status: criteria provided, single submitter. Criteria: CeGaT Center For Human Genetics Tuebingen Variant Classification Criteria Version 2. Collection method: clinical testing. Allele origin: germline. Affected: yes. Observed: 1 variant allele.
Comment: ANKDD1A: BP4, BP7